The following is an entry in ClinVar:

ClinVar aggregate classification (germline): Conflicting classifications of pathogenicity. Review status: criteria provided, conflicting classifications (1 of 4 stars). 2 submissions from 2 submitters: Uncertain significance (1); Likely benign (1). Last evaluated 2021-11-30.

Conditions:
Hyperprolinemia type 2 (HYRPRO2). Also called: Deficiency of pyrroline-5-carboxylate reductase; Delta-1-pyrroline-5-carboxylate dehydrogenase deficiency; 1-PYRROLINE-5-CARBOXYLATE DEHYDROGENASE DEFICIENCY. Identifiers: Orphanet 79101, MedGen C2931835, MONDO:0009401, OMIM 239510.

Allele frequency attached by ClinVar (database versions not stated): ExAC 0.00002; gnomAD exomes 0.00002 and 0.00008.
gnomAD v4.1: 116 of 1,613,362 alleles (0.0072%); highest among the groups gnomAD compares: Non-Finnish European, 0.0093%; no homozygotes.

Submissions (2):

Labcorp Genetics (formerly Invitae), Labcorp
Classification: Uncertain significance for Hyperprolinemia type 2. Last evaluated: 2021-11-30. Review status: criteria provided, single submitter. Criteria: Invitae Variant Classification Sherloc (09022015). Collection method: clinical testing. Allele origin: germline.
Comment: In summary, the available evidence is currently insufficient to determine the role of this variant in disease. Therefore, it has been classified as a Variant of Uncertain Significance. Algorithms developed to predict the effect of missense changes on protein structure and function output the following: SIFT: "Tolerated"; PolyPhen-2: "Benign"; Align-GVGD: "Class C0". The valine amino acid residue is found in multiple mammalian species, which suggests that this missense change does not adversely affect protein function. This variant has not been reported in the literature in individuals affected with ALDH4A1-related conditions. This variant is present in population databases (rs779876883, gnomAD 0.009%). This sequence change replaces isoleucine, which is neutral and non-polar, with valine, which is neutral and non-polar, at codon 121 of the ALDH4A1 protein (p.Ile121Val).

Ambry Genetics
Classification: Likely benign. Last evaluated: 2021-08-10. Review status: criteria provided, single submitter. Criteria: Ambry Variant Classification Scheme 2023. Collection method: clinical testing. Allele origin: germline.

NM_003748.4(ALDH4A1):c.361A>G (p.Ile121Val)

Gene: ALDH4A1 (aldehyde dehydrogenase 4 family member A1; minus strand). Cytogenetic location: 1p36.13.
Variant type: single nucleotide variant.
Coding change: c.361A>G on transcript NM_003748.4 (MANE Select); coding-DNA position 361, A replaced by G.
Protein change: p.Ile121Val; replaces isoleucine 121 with valine.
Molecular consequence: missense variant.
Genome position (GRCh38, 1-based): chr1:18,885,565, T>C on the plus strand (A>G on the coding strand, the complement: ALDH4A1 is on the minus strand). VCF-style: chr1-18885565-T-C. GRCh37 (hg19) VCF-style: chr1-19212059-T-C.
Other names: c.181A>G, p.Ile61Val (NM_001161504.2); c.361A>G, p.Ile121Val (NM_001319218.2, NM_170726.3); c.361A>G (NM_003748.3); short protein forms I61V, I121V.
Identifiers: ClinVar variation 1507387 (VCV001507387.7), dbSNP rs779876883, ClinGen allele CA647388.